The following is an entry in ClinVar:

ClinVar aggregate classification (germline): Benign. Review status: criteria provided, multiple submitters, no conflicts (2 of 4 stars). 10 submissions from 10 submitters: Benign (8). 2 of the submissions do not count toward it. Last evaluated 2026-01-27.

Conditions:
Cerebral arteriopathy, autosomal dominant, with subcortical infarcts and leukoencephalopathy, type 1 (CADASIL1). Also called: CADASIL 1; CASIL; Cerebral arteriopathy with subcortical infarcts and leukoencephalopathy 1; DEMENTIA, HEREDITARY MULTIINFARCT TYPE. Identifiers: Orphanet 136, MedGen C4551768, MONDO:0000914, OMIM 125310.

Allele frequency attached by ClinVar (database versions not stated): ExAC 0.00894; 1000 Genomes Project 0.01318; 1000 Genomes Project 30x 0.01437; gnomAD 0.01539; ESP Exome Variant Server 0.01607; TOPMed 0.01716.
gnomAD v4.1: 4,550 of 1,598,394 alleles (0.28%); highest among the groups gnomAD compares: African/African-American, 5.5%; 114 homozygotes.

Submissions (10):

Labcorp Genetics (formerly Invitae), Labcorp
Classification: Benign. Last evaluated: 2026-01-27. Review status: criteria provided, single submitter. Criteria: Invitae Variant Classification Sherloc (09022015). Collection method: clinical testing. Allele origin: germline.

Athena Diagnostics
Classification: Benign. Last evaluated: 2025-08-15. Review status: criteria provided, single submitter. Criteria: Athena Diagnostics Criteria. Collection method: clinical testing. Allele origin: unknown.
Comment: The frequency of this variant in the general population is higher than would generally be expected for pathogenic variants in this gene. Computational tools yielded predictions that this variant is unlikely to have an effect on normal RNA splicing. This nucleotide position exhibits low evolutionary conservation.

ARUP Laboratories, Molecular Genetics and Genomics, ARUP Laboratories
Classification: Benign. Last evaluated: 2025-07-15. Review status: criteria provided, single submitter. Criteria: ARUP Molecular Germline Variant Investigation Process 2024. Collection method: clinical testing. Allele origin: germline.

Mayo Clinic Laboratories, Mayo Clinic
Classification: Benign. Last evaluated: 2023-11-08. Review status: criteria provided, single submitter. Criteria: ACMG Guidelines, 2015. Collection method: clinical testing. Allele origin: germline. Observed: 58 variant alleles.

GeneDx
Classification: Benign. Last evaluated: 2021-12-20. Review status: criteria provided, single submitter. Criteria: GeneDx Variant Classification Process June 2021. Collection method: clinical testing. Allele origin: germline. Affected: yes.

Illumina Laboratory Services, Illumina
Classification: Benign for Cerebral arteriopathy, autosomal dominant, with subcortical infarcts and leukoencephalopathy, type 1. Last evaluated: 2018-01-13. Review status: criteria provided, single submitter. Criteria: ICSL Variant Classification Criteria 13 December 2019. Collection method: clinical testing. Allele origin: germline.
Comment: This variant was observed in the ICSL laboratory as part of a predisposition screen in an ostensibly healthy population. It had not been previously curated by ICSL or reported in the Human Gene Mutation Database (HGMD: prior to June 1st, 2018), and was therefore a candidate for classification through an automated scoring system. Utilizing variant allele frequency, disease prevalence and penetrance estimates, and inheritance mode, an automated score was calculated to assess if this variant is too frequent to cause the disease. Based on the score and internal cut-off values, a variant classified as benign is not then subjected to further curation. The score for this variant resulted in a classification of benign for this disease.

Breakthrough Genomics
Classification: Benign. Review status: criteria provided, single submitter. Criteria: ACMG Guidelines, 2015. Collection method: not provided. Allele origin: germline. Inheritance: Autosomal dominant inheritance. Affected: yes.

PreventionGenetics, part of Exact Sciences
Classification: Benign. Review status: criteria provided, single submitter. Criteria: ACMG Guidelines, 2015. Collection method: clinical testing. Allele origin: germline.

Genome Diagnostics Laboratory, Amsterdam University Medical Center
Classification: Benign. Review status: no assertion criteria provided. Collection method: clinical testing. Allele origin: germline. Affected: yes. Study: VKGL Data-share Consensus. Not counted in ClinVar's aggregate classification.

Laboratory of Diagnostic Genome Analysis, Leiden University Medical Center (LUMC)
Classification: Likely benign. Review status: no assertion criteria provided. Collection method: clinical testing. Allele origin: germline. Affected: yes. Study: VKGL Data-share Consensus. Not counted in ClinVar's aggregate classification.

NM_000435.3(NOTCH3):c.6102C>T (p.Pro2034=)

Gene: NOTCH3 (notch receptor 3; minus strand). Cytogenetic location: 19p13.12.
Variant type: single nucleotide variant.
Coding change: c.6102C>T on transcript NM_000435.3 (MANE Select); coding-DNA position 6102, C replaced by T.
Protein change: p.Pro2034=; no amino-acid change (proline 2034 retained).
Molecular consequence: synonymous variant.
Genome position (GRCh38, 1-based): chr19:15,161,526, G>A on the plus strand (C>T on the coding strand, the complement: NOTCH3 is on the minus strand). VCF-style: chr19-15161526-G-A. GRCh37 (hg19) VCF-style: chr19-15272337-G-A.
Other names: p.Pro2034=.
Identifiers: ClinVar variation 256149 (VCV000256149.34), dbSNP rs114887570, ClinGen allele CA9262422.